The following is an entry in ClinVar:

ClinVar aggregate classification (germline): Uncertain significance (1 of 4 stars; one submission).

Submission:

Labcorp Genetics (formerly Invitae), Labcorp
Classification: Uncertain significance. Last evaluated: 2022-11-08. Review status: criteria provided, single submitter. Criteria: Invitae Variant Classification Sherloc (09022015). Collection method: clinical testing. Allele origin: germline.
Comment: In summary, the available evidence is currently insufficient to determine the role of this variant in disease. Therefore, it has been classified as a Variant of Uncertain Significance. Advanced modeling of protein sequence and biophysical properties (such as structural, functional, and spatial information, amino acid conservation, physicochemical variation, residue mobility, and thermodynamic stability) has been performed at Invitae for this missense variant, however the output from this modeling did not meet the statistical confidence thresholds required to predict the impact of this variant on LRP5 protein function. ClinVar contains an entry for this variant (Variation ID: 1515633). This variant has not been reported in the literature in individuals affected with LRP5-related conditions. This variant is not present in population databases (gnomAD no frequency). This sequence change replaces serine, which is neutral and polar, with isoleucine, which is neutral and non-polar, at codon 288 of the LRP5 protein (p.Ser288Ile).

NM_002335.4(LRP5):c.863G>T (p.Ser288Ile)

Gene: LRP5 (LDL receptor related protein 5; plus strand). Cytogenetic location: 11q13.2.
Variant type: single nucleotide variant.
Coding change: c.863G>T on transcript NM_002335.4 (MANE Select); coding-DNA position 863, G replaced by T.
Protein change: p.Ser288Ile; replaces serine 288 with isoleucine.
Molecular consequence: missense variant. On other transcripts: 5 prime UTR variant (1).
Genome position (GRCh38, 1-based): chr11:68,363,923, G>T. VCF-style: chr11-68363923-G-T. GRCh37 (hg19) VCF-style: chr11-68131391-G-T.
Other names: c.-903G>T (NM_001291902.2); short protein forms S288I.
Identifiers: ClinVar variation 1515633 (VCV001515633.8), dbSNP rs2153139524, ClinGen allele CA381611279.